The following is an entry in ClinVar:

ClinVar aggregate classification (germline): Likely benign. Review status: criteria provided, multiple submitters, no conflicts (2 of 4 stars). 2 submissions from 2 submitters: Likely benign (2). Last evaluated 2024-09-27.

Conditions:
Cardiomyopathy (CMYO). Also called: Cardiomyopathies. Identifiers: Orphanet 167848, MedGen C0878544, MONDO:0004994, HP:0001638. Inheritance: Various modes of inheritance.
Hypertrophic cardiomyopathy. Also called: HYPERTROPHIC MYOCARDIOPATHY. Identifiers: Orphanet 217569, MedGen C0007194, MeSH D002312, MONDO:0005045, HP:0001639.

Submissions (2):

All of Us Research Program, National Institutes of Health
Classification: Likely benign for Hypertrophic cardiomyopathy. Last evaluated: 2024-09-27. Review status: criteria provided, single submitter. Criteria: ACMG Guidelines, 2015. Collection method: clinical testing. Allele origin: germline. Inheritance: Autosomal dominant inheritance. Observed: 1 variant allele, 1 heterozygote.
Comment: This study involves interpretation of variants in research participants for the purpose of population health screening. Participant phenotype was not available at the time of variant classification. Additional details can be found in publication PMID: 35346344, PMCID: PMC8962531

Color Diagnostics, LLC DBA Color Health
Classification: Likely benign for Cardiomyopathy. Last evaluated: 2019-07-02. Review status: criteria provided, single submitter. Criteria: ACMG Guidelines, 2015. Collection method: clinical testing. Allele origin: germline.

NM_000256.3(MYBPC3):c.2473C>T (p.Leu825=)

Gene: MYBPC3 (myosin binding protein C3; minus strand). Cytogenetic location: 11p11.2.
Variant type: single nucleotide variant.
Coding change: c.2473C>T on transcript NM_000256.3 (MANE Select); coding-DNA position 2473, C replaced by T.
Protein change: p.Leu825=; no amino-acid change (leucine 825 retained).
Molecular consequence: synonymous variant.
Genome position (GRCh38, 1-based): chr11:47,337,520, G>A on the plus strand (C>T on the coding strand, the complement: MYBPC3 is on the minus strand). VCF-style: chr11-47337520-G-A. GRCh37 (hg19) VCF-style: chr11-47359071-G-A.
Identifiers: ClinVar variation 920458 (VCV000920458.3), dbSNP rs2095883617, ClinGen allele CA474429338.